The following is an entry in ClinVar:

ClinVar aggregate classification (germline): Uncertain significance (1 of 4 stars; one submission).

Conditions:
Juvenile onset Parkinson disease 19A. Also called: PARK19; DNAJC6 Parkinson Disease. Identifiers: Orphanet 391411, MedGen C3809811, MONDO:0014231, OMIM 615528.

Allele frequency attached by ClinVar (database versions not stated): gnomAD 0.00001.
gnomAD v4.1: 5 of 1,531,138 alleles (0.00033%); highest among the groups gnomAD compares: Middle Eastern, 0.018%; no homozygotes.

Submission:

Labcorp Genetics (formerly Invitae), Labcorp
Classification: Uncertain significance for Juvenile onset Parkinson disease 19A. Last evaluated: 2019-10-19. Review status: criteria provided, single submitter. Criteria: Invitae Variant Classification Sherloc (09022015). Collection method: clinical testing. Allele origin: germline.
Comment: In summary, the available evidence is currently insufficient to determine the role of this variant in disease. Therefore, it has been classified as a Variant of Uncertain Significance. Algorithms developed to predict the effect of missense changes on protein structure and function (SIFT, PolyPhen-2, Align-GVGD) all suggest that this variant is likely to be tolerated, but these predictions have not been confirmed by published functional studies and their clinical significance is uncertain. This variant has not been reported in the literature in individuals with DNAJC6-related disease. While this variant is not present in population databases, the frequency information is unreliable, as metrics indicate poor data quality at this position in the ExAC database. This sequence change replaces arginine with leucine at codon 57 of the DNAJC6 protein (p.Arg57Leu). The arginine residue is weakly conserved and there is a moderate physicochemical difference between arginine and leucine.

NM_001256864.2(DNAJC6):c.170G>T (p.Arg57Leu)

Gene: DNAJC6 (DnaJ heat shock protein family (Hsp40) member C6; plus strand). Cytogenetic location: 1p31.3.
Variant type: single nucleotide variant.
Coding change: c.170G>T on transcript NM_001256864.2 (MANE Select); coding-DNA position 170, G replaced by T.
Protein change: p.Arg57Leu; replaces arginine 57 with leucine.
Molecular consequence: missense variant. On other transcripts: intron variant (2).
Genome position (GRCh38, 1-based): chr1:65,309,915, G>T. VCF-style: chr1-65309915-G-T. GRCh37 (hg19) VCF-style: chr1-65775598-G-T.
Other names: c.-130-35696G>T (NM_001256865.2); c.22+44983G>T (NM_014787.4); short protein forms R57L.
Identifiers: ClinVar variation 664983 (VCV000664983.10), dbSNP rs747115530, ClinGen allele CA340663630.